The following is an entry in ClinVar:

ClinVar aggregate classification (germline): Uncertain significance (1 of 4 stars; one submission).

Conditions:
Dyskeratosis congenita, autosomal dominant 2. Identifiers: MedGen C3151443, MONDO:0013521, OMIM 613989.
Idiopathic Pulmonary Fibrosis. Also called: Idiopathic fibrosing alveolitis, chronic form; idiopathic fibrosing alveolitis. Identifiers: Orphanet 2032, MedGen C1800706, MeSH D054990, MONDO:0800504.

Submission:

Labcorp Genetics (formerly Invitae), Labcorp
Classification: Uncertain significance for Dyskeratosis congenita, autosomal dominant 2; Idiopathic Pulmonary Fibrosis. Last evaluated: 2021-07-22. Review status: criteria provided, single submitter. Criteria: Invitae Variant Classification Sherloc (09022015). Collection method: clinical testing. Allele origin: germline.
Comment: In summary, the available evidence is currently insufficient to determine the role of this variant in disease. Therefore, it has been classified as a Variant of Uncertain Significance. Algorithms developed to predict the effect of sequence changes on RNA splicing suggest that this variant may create or strengthen a splice site, but this prediction has not been confirmed by published transcriptional studies. Algorithms developed to predict the effect of missense changes on protein structure and function output the following: SIFT: "Deleterious"; PolyPhen-2: "Benign"; Align-GVGD: "Class C0". The arginine amino acid residue is found in multiple mammalian species, suggesting that this missense change does not adversely affect protein function. These predictions have not been confirmed by published functional studies and their clinical significance is uncertain. This variant has not been reported in the literature in individuals with TERT-related conditions. This variant is not present in population databases (ExAC no frequency). This sequence change replaces serine with arginine at codon 121 of the TERT protein (p.Ser121Arg). The serine residue is moderately conserved and there is a moderate physicochemical difference between serine and arginine.

NM_198253.3(TERT):c.363C>G (p.Ser121Arg)

Gene: TERT (telomerase reverse transcriptase; minus strand). Cytogenetic location: 5p15.33.
Variant type: single nucleotide variant.
Coding change: c.363C>G on transcript NM_198253.3 (MANE Select); coding-DNA position 363, C replaced by G.
Protein change: p.Ser121Arg; replaces serine 121 with arginine.
Molecular consequence: missense variant. On other transcripts: non-coding transcript variant (2).
Genome position (GRCh38, 1-based): chr5:1,294,523, G>C on the plus strand (C>G on the coding strand, the complement: TERT is on the minus strand). VCF-style: chr5-1294523-G-C. GRCh37 (hg19) VCF-style: chr5-1294638-G-C.
Other names: c.363C>G, p.Ser121Arg (NM_001193376.3); short protein forms S121R.
Identifiers: ClinVar variation 845676 (VCV000845676.10), dbSNP rs1751257484, ClinGen allele CA359058186.
Genomic context (GRCh38, chr5:1,294,523, plus strand): 5'-CAGCAGCAGCCCCCACGCCCCGCTCCCCCGCAGTGCGTCGGTCACCGTGTTGGGCAGGTA[G>C]CTGCGCACGCTGGTGGTGAAGGCCTCGGGGGGGCCCCCGCGGGCCCCGTCCAGCAGCGCG-3'
Protein context (NP_937983.2, residues 111-131): PPEAFTTSVR[Ser121Arg]YLPNTVTDAL